The following is an entry in ClinVar:

NM_001009944.3(PKD1):c.6658C>T (p.Arg2220Trp)

Gene: PKD1 (polycystin 1, transient receptor potential channel interacting; minus strand). Cytogenetic location: 16p13.3.
Variant type: single nucleotide variant.
Coding change: c.6658C>T on transcript NM_001009944.3 (MANE Select); coding-DNA position 6658, C replaced by T.
Protein change: p.Arg2220Trp; replaces arginine 2220 with tryptophan.
Molecular consequence: missense variant.
Genome position (GRCh38, 1-based): chr16:2,108,509, G>A on the plus strand (C>T on the coding strand, the complement: PKD1 is on the minus strand). VCF-style: chr16-2108509-G-A. GRCh37 (hg19) VCF-style: chr16-2158510-G-A.
Other names: c.6658C>T, p.Arg2220Trp (NM_000296.4); short protein forms R2220W.
Identifiers: ClinVar variation 997266 (VCV000997266.2), dbSNP rs769509393, ClinGen allele CA7831515.

ClinVar aggregate classification (germline): Uncertain significance. Review status: criteria provided, single submitter (1 of 4 stars). 2 submissions from 2 submitters: Uncertain significance (1). 1 of the submissions does not count toward it. Last evaluated 2025-07-29.

Conditions:
Polycystic kidney disease. Also called: Polycystic kidney dysplasia; Kidney, Polycystic. Identifiers: MedGen C0022680, MeSH D007690, MONDO:0020642, HP:0000113.

Allele frequency attached by ClinVar (database versions not stated): TOPMed 0.00001.
gnomAD v4.1: 8 of 1,608,674 alleles (0.0005%); highest among the groups gnomAD compares: Non-Finnish European, 0.00059%; no homozygotes.

Submissions (2):

Women's Health and Genetics/Laboratory Corporation of America, LabCorp
Classification: Uncertain significance. Last evaluated: 2025-07-29. Review status: criteria provided, single submitter. Criteria: LabCorp Variant Classification Summary - May 2015. Collection method: clinical testing. Allele origin: germline.
Comment: Variant summary: PKD1 c.6658C>T (p.Arg2220Trp) results in a non-conservative amino acid change in the encoded protein sequence. Algorithms developed to predict the effect of missense changes on protein structure and function all suggest that this variant is likely to be disruptive. The variant allele was found at a frequency of 1.3e-05 in 238634 control chromosomes. c.6658C>T has been observed in individual(s) affected with PKD1- Polycystic Kidney Disease (Vujic_2010, He_2018). These data indicate that the variant may be associated with disease. At least one publication reports experimental evidence evaluating an impact on protein function, and indicates that it affects protein function (Krappitz_2023). The following publications have been ascertained in the context of this evaluation (PMID: 30333007, 36270750, 20558538). ClinVar contains an entry for this variant (Variation ID: 997266). Based on the evidence outlined above, the variant was classified as VUS-possibly pathogenic.

Department of Pathology and Laboratory Medicine, Sinai Health System
Classification: Uncertain significance for Polycystic Kidney disease. Review status: no assertion criteria provided. Collection method: clinical testing. Allele origin: unknown. Affected: yes. Study: The Canadian Open Genetics Repository (COGR). Not counted in ClinVar's aggregate classification.
Comment: The PKD1 p.Arg2220Trp variant was identified in 1 of 180 proband chromosomes (frequency: 0.006) from individuals or families with polycystic kidney disease (He 2018), and in two siblings in a family study with enlarged echogenic kidneys present in utero (Vujic 2010). The variant was identified in dbSNP (ID: rs769509393) and in the ADPKD Mutation Database (classified as likely hypomorphic by two submitters). The variant was not identified in ClinVar, LOVD 3.0 or PKD1-LOVD. The variant was identified in control databases in 3 of 233476 chromosomes at a frequency of 0.00001 (Genome Aggregation Database Feb 27, 2017). The variant was observed in the European population in 3 of 103346 chromosomes (freq: 0.00003), but was not observed in the African, Other, Latino, Ashkenazi Jewish, East Asian, Finnish or South Asian populations. The p.Arg2220 residue is conserved in mammals but not in more distantly related organisms, and four out of five computational analyses (PolyPhen-2, SIFT, AlignGVGD, BLOSUM, MutationTaster) suggest that the variant may impact the protein; however, this information is not predictive enough to assume pathogenicity. The variant occurs outside of the splicing consensus sequence and in silico or computational prediction software programs (SpliceSiteFinder, MaxEntScan, NNSPLICE, GeneSplicer) do not predict a difference in splicing. In summary, based on the above information, the clinical significance of this variant cannot be determined with certainty at this time. This variant is classified as a variant of uncertain significance.

Literature cited by the submitters: PubMed 30333007 (cited by Women's Health and Genetics/Laboratory Corporation of America, LabCorp); PubMed 36270750 (cited by Women's Health and Genetics/Laboratory Corporation of America, LabCorp); PubMed 20558538 (cited by Women's Health and Genetics/Laboratory Corporation of America, LabCorp).